The following is an entry in ClinVar:

ClinVar aggregate classification (germline): Likely benign. Review status: criteria provided, multiple submitters, no conflicts (2 of 4 stars). 2 submissions from 2 submitters: Likely benign (2). Last evaluated 2025-07-02.

Conditions:
LAMB1-related disorder. Also called: LAMB1-related condition.

Allele frequency attached by ClinVar (database versions not stated): TOPMed 0.00003; gnomAD 0.00004; ExAC 0.00006; gnomAD exomes 0.00006; 1000 Genomes Project 30x 0.00016; 1000 Genomes Project 0.00020.
gnomAD v4.1: 91 of 1,614,132 alleles (0.0056%); highest among the groups gnomAD compares: South Asian, 0.014%; no homozygotes.

Submissions (2):

PreventionGenetics, part of Exact Sciences
Classification: Likely benign for LAMB1-related condition. Last evaluated: 2025-07-02. Review status: criteria provided, single submitter. Criteria: ACMG Guidelines, 2015. Collection method: clinical testing. Allele origin: germline.
Comment: This variant is classified as likely benign based on ACMG/AMP sequence variant interpretation guidelines (Richards et al. 2015 PMID: 25741868, with internal and published modifications).

CeGaT Center for Human Genetics Tuebingen
Classification: Likely benign. Last evaluated: 2022-04-01. Review status: criteria provided, single submitter. Criteria: CeGaT Center For Human Genetics Tuebingen Variant Classification Criteria Version 2. Collection method: clinical testing. Allele origin: germline. Affected: yes. Observed: 1 variant allele.
Comment: LAMB1: BP4, BP7

NM_002291.3(LAMB1):c.990C>T (p.Asn330=)

Gene: LAMB1 (laminin subunit beta 1; minus strand). Cytogenetic location: 7q31.1.
Variant type: single nucleotide variant.
Coding change: c.990C>T on transcript NM_002291.3 (MANE Select); coding-DNA position 990, C replaced by T.
Protein change: p.Asn330=; no amino-acid change (asparagine 330 retained).
Molecular consequence: synonymous variant.
Genome position (GRCh38, 1-based): chr7:107,978,057, G>A on the plus strand (C>T on the coding strand, the complement: LAMB1 is on the minus strand). VCF-style: chr7-107978057-G-A. GRCh37 (hg19) VCF-style: chr7-107618502-G-A.
Other names: c.990C>T (NM_002291.2).
Identifiers: ClinVar variation 2657940 (VCV002657940.25), dbSNP rs200180820, ClinGen allele CA4436140.